The following is an entry in ClinVar:

ClinVar aggregate classification (germline): Pathogenic. Review status: criteria provided, multiple submitters, no conflicts (2 of 4 stars). 4 submissions from 4 submitters: Pathogenic (3). 1 of the submissions does not count toward it. Last evaluated 2023-04-11.

Conditions:
Autosomal recessive congenital ichthyosis 6 (ARCI6). Identifiers: Orphanet 313, Orphanet 79394, MedGen C2677065, MONDO:0012847, OMIM 612281.
Lamellar ichthyosis. Identifiers: Orphanet 313, MedGen C5848247, MONDO:0017778.

Allele frequency attached by ClinVar (database versions not stated): TOPMed 0.00001; gnomAD 0.00006; ESP Exome Variant Server 0.00008; 1000 Genomes Project 30x 0.00031.

Submissions (4):

Women's Health and Genetics/Laboratory Corporation of America, LabCorp
Classification: Pathogenic for Lamellar ichthyosis. Last evaluated: 2023-04-11. Review status: criteria provided, single submitter. Criteria: LabCorp Variant Classification Summary - May 2015. Collection method: clinical testing. Allele origin: germline.
Comment: Variant summary: NIPAL4 c.703G>A (p.Gly235Arg) results in a non-conservative amino acid change in the encoded protein sequence. Five of five in-silico tools predict a damaging effect of the variant on protein function. The variant allele was found at a frequency of 2e-05 in 249256 control chromosomes. c.703G>A has been reported in the literature as a biallelic genotype in multiple individuals affected with Lamellar Ichthyosis (example, PMID: 22098531, 15317751, 27025581). These data indicate that the variant is very likely to be associated with disease. To our knowledge, no experimental evidence demonstrating an impact on protein function has been reported. Two clinical diagnostic laboratories have submitted clinical-significance assessments for this variant to ClinVar after 2014 without evidence for independent evaluation. All laboratories classified the variant as pathogenic/likely pathogenic. Based on the evidence outlined above, the variant was classified as pathogenic.

GeneDx
Classification: Pathogenic. Last evaluated: 2019-08-06. Review status: criteria provided, single submitter. Criteria: GeneDx Variant Classification Process June 2021. Collection method: clinical testing. Allele origin: germline. Affected: yes.
Comment: In silico analysis, which includes protein predictors and evolutionary conservation, supports a deleterious effect; This variant is associated with the following publications: (PMID: 31347739, 27025581, 15317751, 22098531)

Neuberg Centre For Genomic Medicine, NCGM
Classification: Pathogenic for Autosomal recessive congenital ichthyosis 6. Review status: criteria provided, single submitter. Criteria: ACMG Guidelines, 2015. Collection method: clinical testing. Allele origin: germline. Inheritance: Autosomal recessive inheritance. Affected: yes.
Comment: The NIPAL4 c.889G>A (p.Gly297Arg) variant has been reported in heterozygous state in individuals affected with Autosomal recessive congenital ichthyosis (Alavi A et al.). Experimental studies have shown that this missense decreases the affinity of the NIPAL4 protein (Ballin N et al.). This variant has been submitted allele frequency 0.0025% in the gnomAD and novel in 1000 genome database. It has been submitted to ClinVar as pathogenic. The amino acid Gly at position 297 is changed to a Arg changing protein sequence and it might alter its composition and physico-chemical properties. The variant is predicted to be damaging by SIFT and the residue is conserved across species. The amino acid change p.Gly297Arg in NIPAL4 is predicted as conserved by GERP++ and PhyloP across 100 vertebrates. For these reasons, this variant has been classified as Pathogenic.

Institute for Human Genetics, University Medical Center Freiburg
Classification: Pathogenic for Autosomal recessive congenital ichthyosis 6. Last evaluated: 2019-05-16. Review status: no assertion criteria provided. Collection method: clinical testing. Allele origin: germline. Affected: yes. Not counted in ClinVar's aggregate classification.

Literature cited by the submitters: PubMed 15317751 (cited by Women's Health and Genetics/Laboratory Corporation of America, LabCorp and Institute for Human Genetics, University Medical Center Freiburg); PubMed 27025581 (cited by Women's Health and Genetics/Laboratory Corporation of America, LabCorp); PubMed 22098531 (cited by Women's Health and Genetics/Laboratory Corporation of America, LabCorp).

NM_001099287.2(NIPAL4):c.703G>A (p.Gly235Arg)

Gene: NIPAL4 (NIPA like domain containing 4; plus strand). Cytogenetic location: 5q33.3.
Variant type: single nucleotide variant.
Coding change: c.703G>A on transcript NM_001099287.2 (MANE Select); coding-DNA position 703, G replaced by A.
Protein change: p.Gly235Arg; replaces glycine 235 with arginine.
Molecular consequence: missense variant.
Genome position (GRCh38, 1-based): chr5:157,472,448, G>A. VCF-style: chr5-157472448-G-A. GRCh37 (hg19) VCF-style: chr5-156899456-G-A.
Other names: c.646G>A, p.Gly216Arg (NM_001172292.2); short protein forms G297R, G278R, G235R, G216R.
Identifiers: ClinVar variation 638550 (VCV000638550.8), dbSNP rs375688767, ClinGen allele CA3534718.
Genomic context (GRCh38, chr5:157,472,448, plus strand): 5'-ATTGCCCCACGTTACGGGCAAAGGAATATCCTCATCTACATCATCATCTGCTCTGTGATC[G>A]GGGCCTTCTCTGTGGCTGCTGTCAAGGGGCTGGGCATCACCATCAAGAACTTCTTCCAGG-3'
Protein context (NP_001092757.2, residues 225-245): LIYIIICSVI[Gly235Arg]AFSVAAVKGL